The following is an entry in ClinVar:

NM_001330078.2(NRXN1):c.1269C>T (p.Ala423=)

Gene: NRXN1 (neurexin 1; minus strand). Cytogenetic location: 2p16.3.
Variant type: single nucleotide variant.
Coding change: c.1269C>T on transcript NM_001330078.2 (MANE Select); coding-DNA position 1269, C replaced by T.
Protein change: p.Ala423=; no amino-acid change (alanine 423 retained).
Molecular consequence: synonymous variant.
Genome position (GRCh38, 1-based): chr2:50,620,073, G>A on the plus strand (C>T on the coding strand, the complement: NRXN1 is on the minus strand). VCF-style: chr2-50620073-G-A. GRCh37 (hg19) VCF-style: chr2-50847211-G-A.
Other names: c.1389C>T, p.Ala463= (NM_001135659.3); c.1245C>T, p.Ala415= (NM_001330077.2, NM_001330082.2, NM_001330095.2); c.1230C>T, p.Ala410= (NM_001330083.2, NM_001330084.2); c.1269C>T, p.Ala423= (NM_001330085.2, NM_001330086.2, NM_004801.6); c.1185C>T, p.Ala395= (NM_001330087.2, NM_001330096.2); c.1215C>T, p.Ala405= (NM_001330088.2); c.1266C>T, p.Ala422= (NM_001330093.2); c.1257C>T, p.Ala419= (NM_001330094.2).
Identifiers: ClinVar variation 472638 (VCV000472638.12), dbSNP rs753264637, ClinGen allele CA1655075.

ClinVar aggregate classification (germline): Likely benign. Review status: criteria provided, multiple submitters, no conflicts (2 of 4 stars). 2 submissions from 2 submitters: Likely benign (2). Last evaluated 2026-03-01.

Conditions:
Pitt-Hopkins-like syndrome 2 (PTHSL2). Identifiers: Orphanet 221150, Orphanet 600663, MedGen C3280479, MONDO:0013690, OMIM 614325.

Allele frequency attached by ClinVar (database versions not stated): gnomAD below 0.00001 and 0.00001; ExAC 0.00003; gnomAD exomes 0.00003.
gnomAD v4.1: 11 of 1,612,034 alleles (0.00068%); highest among the groups gnomAD compares: South Asian, 0.0066%; no homozygotes.

Submissions (2):

CeGaT Center for Human Genetics Tuebingen
Classification: Likely benign. Last evaluated: 2026-03-01. Review status: criteria provided, single submitter. Criteria: CeGaT Center For Human Genetics Tuebingen Variant Classification Criteria Version 2. Collection method: clinical testing. Allele origin: germline. Affected: yes. Observed: 1 variant allele.
Comment: NRXN1: BP4, BP7

Labcorp Genetics (formerly Invitae), Labcorp
Classification: Likely benign for Pitt-Hopkins-like syndrome 2. Last evaluated: 2017-06-29. Review status: criteria provided, single submitter. Criteria: Invitae Variant Classification Sherloc (09022015). Collection method: clinical testing. Allele origin: germline.